The following is an entry in ClinVar:

ClinVar aggregate classification (germline): Uncertain significance (1 of 4 stars; one submission).

Conditions:
Hypercoagulability syndrome due to glycosylphosphatidylinositol deficiency (GPIBD1). Also called: GLYCOSYLPHOSPHATIDYLINOSITOL BIOSYNTHESIS DEFECT 1. Identifiers: Orphanet 83639, MedGen C5201145, MONDO:0012465, OMIM 610293.

Submission:

Labcorp Genetics (formerly Invitae), Labcorp
Classification: Uncertain significance for Hypercoagulability syndrome due to glycosylphosphatidylinositol deficiency. Last evaluated: 2024-05-08. Review status: criteria provided, single submitter. Criteria: Invitae Variant Classification Sherloc (09022015). Collection method: clinical testing. Allele origin: germline.
Comment: This sequence change replaces alanine, which is neutral and non-polar, with aspartic acid, which is acidic and polar, at codon 25 of the PIGM protein (p.Ala25Asp). This variant is not present in population databases (gnomAD no frequency). This variant has not been reported in the literature in individuals affected with PIGM-related conditions. Advanced modeling of protein sequence and biophysical properties (such as structural, functional, and spatial information, amino acid conservation, physicochemical variation, residue mobility, and thermodynamic stability) performed at Invitae indicates that this missense variant is expected to disrupt PIGM protein function with a positive predictive value of 80%. In summary, the available evidence is currently insufficient to determine the role of this variant in disease. Therefore, it has been classified as a Variant of Uncertain Significance.

NM_145167.3(PIGM):c.74C>A (p.Ala25Asp)

Gene: PIGM (phosphatidylinositol glycan anchor biosynthesis class M; minus strand). Cytogenetic location: 1q23.2.
Variant type: single nucleotide variant.
Coding change: c.74C>A on transcript NM_145167.3 (MANE Select); coding-DNA position 74, C replaced by A.
Protein change: p.Ala25Asp; replaces alanine 25 with aspartic acid.
Molecular consequence: missense variant.
Genome position (GRCh38, 1-based): chr1:160,031,666, G>T on the plus strand (C>A on the coding strand, the complement: PIGM is on the minus strand). VCF-style: chr1-160031666-G-T. GRCh37 (hg19) VCF-style: chr1-160001456-G-T.
Other names: short protein forms A25D.
Identifiers: ClinVar variation 2714608 (VCV002714608.3), dbSNP rs1193931801, ClinGen allele CA343245433.
Genomic context (GRCh38, chr1:160,031,666, plus strand): 5'-ACGTGCAGGGTCCGGTCCTGGAAGACGCCATAGAAAACCAGGGCGACTCTGGCTAGAAAG[G>T]CCACACCAAAGACGCCGGCTGGAGCCACCTTCAAGTTCAGGAGCCATTCGCCCCAGTGCT-3'
Protein context (NP_660150.1, residues 15-35): KVAPAGVFGV[Ala25Asp]FLARVALVFY